The following is an entry in ClinVar:

ClinVar aggregate classification (germline): Uncertain significance (1 of 4 stars; one submission).

Conditions:
Dystonic disorder. Also called: Dystonia. Identifiers: MedGen C0013421, MONDO:0003441, HP:0001332.

Allele frequency attached by ClinVar (database versions not stated): gnomAD exomes 0.00001; ExAC 0.00002.
gnomAD v4.1: 3 of 1,613,390 alleles (0.00019%); highest among the groups gnomAD compares: South Asian, 0.0033%; no homozygotes.

Submission:

Labcorp Genetics (formerly Invitae), Labcorp
Classification: Uncertain significance for Dystonic disorder. Last evaluated: 2021-04-14. Review status: criteria provided, single submitter. Criteria: Invitae Variant Classification Sherloc (09022015). Collection method: clinical testing. Allele origin: germline.
Comment: This sequence change replaces serine with alanine at codon 835 of the ANO3 protein (p.Ser835Ala). The serine residue is highly conserved and there is a moderate physicochemical difference between serine and alanine. This variant is present in population databases (rs771850400, ExAC 0.01%). This variant has not been reported in the literature in individuals with ANO3-related conditions. Advanced modeling of protein sequence and biophysical properties (such as structural, functional, and spatial information, amino acid conservation, physicochemical variation, residue mobility, and thermodynamic stability) performed at Invitae indicates that this missense variant is expected to disrupt ANO3 protein function. In summary, the available evidence is currently insufficient to determine the role of this variant in disease. Therefore, it has been classified as a Variant of Uncertain Significance.

NM_031418.4(ANO3):c.2503T>G (p.Ser835Ala)

Gene: ANO3 (anoctamin 3; plus strand). Cytogenetic location: 11p14.2.
Variant type: single nucleotide variant.
Coding change: c.2503T>G on transcript NM_031418.4 (MANE Select); coding-DNA position 2503, T replaced by G.
Protein change: p.Ser835Ala; replaces serine 835 with alanine.
Molecular consequence: missense variant.
Genome position (GRCh38, 1-based): chr11:26,647,783, T>G. VCF-style: chr11-26647783-T-G. GRCh37 (hg19) VCF-style: chr11-26669330-T-G.
Other names: c.2686T>G, p.Ser896Ala (NM_001313726.2); c.2065T>G, p.Ser689Ala (NM_001313727.2); short protein forms S896A, S835A, S689A.
Identifiers: ClinVar variation 1497704 (VCV001497704.8), dbSNP rs771850400, ClinGen allele CA5926539.